The following is an entry in ClinVar:

NM_014930.3(ZNF510):c.1727A>C (p.Glu576Ala)

Gene: ZNF510 (zinc finger protein 510; minus strand). Cytogenetic location: 9q22.33.
Variant type: single nucleotide variant.
Coding change: c.1727A>C on transcript NM_014930.3 (MANE Select); coding-DNA position 1727, A replaced by C.
Protein change: p.Glu576Ala; replaces glutamic acid 576 with alanine.
Molecular consequence: missense variant.
Genome position (GRCh38, 1-based): chr9:96,759,103, T>G on the plus strand (A>C on the coding strand, the complement: ZNF510 is on the minus strand). VCF-style: chr9-96759103-T-G. GRCh37 (hg19) VCF-style: chr9-99521385-T-G.
Other names: c.1727A>C, p.Glu576Ala (NM_001314059.2); c.1541A>C, p.Glu514Ala (NM_001314060.2); short protein forms E514A, E576A.
Identifiers: ClinVar variation 3067235 (VCV003067235.21), dbSNP rs199644212, ClinGen allele CA5142347.

ClinVar aggregate classification (germline): Likely benign (1 of 4 stars; one submission).

Allele frequency attached by ClinVar (database versions not stated): ESP Exome Variant Server 0.00008; gnomAD 0.00018; gnomAD exomes 0.00020; TOPMed 0.00022; ExAC 0.00031.
gnomAD v4.1: 336 of 1,614,038 alleles (0.021%); highest among the groups gnomAD compares: Non-Finnish European, 0.0044%; 2 homozygotes.

Submission:

CeGaT Center for Human Genetics Tuebingen
Classification: Likely benign. Last evaluated: 2024-03-01. Review status: criteria provided, single submitter. Criteria: CeGaT Center For Human Genetics Tuebingen Variant Classification Criteria Version 2. Collection method: clinical testing. Allele origin: germline. Affected: yes. Observed: 1 variant allele.
Comment: ZNF510: BP4